The following is an entry in ClinVar:

NM_052963.3(TOP1MT):c.790A>G (p.Met264Val)

Gene: TOP1MT (DNA topoisomerase I mitochondrial; minus strand). Cytogenetic location: 8q24.3.
Variant type: single nucleotide variant.
Coding change: c.790A>G on transcript NM_052963.3 (MANE Select); coding-DNA position 790, A replaced by G.
Protein change: p.Met264Val; replaces methionine 264 with valine.
Molecular consequence: missense variant.
Genome position (GRCh38, 1-based): chr8:143,324,511, T>C on the plus strand (A>G on the coding strand, the complement: TOP1MT is on the minus strand). VCF-style: chr8-143324511-T-C. GRCh37 (hg19) VCF-style: chr8-144406681-T-C.
Other names: c.496A>G, p.Met166Val (NM_001258446.1, NM_001258447.1); short protein forms M166V, M264V.
Identifiers: ClinVar variation 2421306 (VCV002421306.6), dbSNP rs754127144, ClinGen allele CA4908680.
Genomic context (GRCh38, chr8:143,324,511, plus strand): 5'-GGGGAGGAAACACCCTGCCAAGCCCTGCGCTCACCTTCAGCTTCGAGCAAGGGTTCAGCA[T>C]GATGTACTTGATGGAGTTCTGAACGCTCTCGGTCCAAGCTGCCAGCCACGTGACGGTGTT-3'
Protein context (NP_443195.1, residues 254-274): ESVQNSIKYI[Met264Val]LNPCSKLKGE

ClinVar aggregate classification (germline): Uncertain significance (1 of 4 stars; one submission).

Allele frequency attached by ClinVar (database versions not stated): gnomAD exomes 0.00001; ExAC 0.00002.
gnomAD v4.1: 9 of 1,613,946 alleles (0.00056%); highest among the groups gnomAD compares: South Asian, 0.0077%; no homozygotes.

Submission:

Labcorp Genetics (formerly Invitae), Labcorp
Classification: Uncertain significance. Last evaluated: 2024-02-24. Review status: criteria provided, single submitter. Criteria: Invitae Variant Classification Sherloc (09022015). Collection method: clinical testing. Allele origin: germline.
Comment: This sequence change replaces methionine, which is neutral and non-polar, with valine, which is neutral and non-polar, at codon 264 of the TOP1MT protein (p.Met264Val). This variant is present in population databases (rs754127144, gnomAD 0.02%). This variant has not been reported in the literature in individuals affected with TOP1MT-related conditions. ClinVar contains an entry for this variant (Variation ID: 2421306). Advanced modeling of protein sequence and biophysical properties (such as structural, functional, and spatial information, amino acid conservation, physicochemical variation, residue mobility, and thermodynamic stability) performed at Invitae indicates that this missense variant is expected to disrupt TOP1MT protein function with a positive predictive value of 80%. In summary, the available evidence is currently insufficient to determine the role of this variant in disease. Therefore, it has been classified as a Variant of Uncertain Significance.